The following is an entry in ClinVar:

ClinVar aggregate classification (germline): Pathogenic (1 of 4 stars; one submission).

Conditions:
Long QT syndrome (LQTS). Identifiers: MedGen C0023976, MeSH D008133, MONDO:0002442. Disease mechanism: loss of function. Inheritance: Various modes of inheritance.

Submission:

Labcorp Genetics (formerly Invitae), Labcorp
Classification: Pathogenic for Long QT syndrome. Last evaluated: 2022-07-17. Review status: criteria provided, single submitter. Criteria: Invitae Variant Classification Sherloc (09022015). Collection method: clinical testing. Allele origin: germline.
Comment: For these reasons, this variant has been classified as Pathogenic. This variant has not been reported in the literature in individuals affected with KCNQ1-related conditions. This variant is not present in population databases (gnomAD no frequency). This sequence change creates a premature translational stop signal (p.Lys414*) in the KCNQ1 gene. It is expected to result in an absent or disrupted protein product. Loss-of-function variants in KCNQ1 are known to be pathogenic (PMID: 9323054, 19862833).

Literature cited by the submitters: PubMed 9323054; PubMed 19862833.

NM_000218.3(KCNQ1):c.1240A>T (p.Lys414Ter)

Gene: KCNQ1 (potassium voltage-gated channel subfamily Q member 1; plus strand). Cytogenetic location: 11p15.5.
Variant type: single nucleotide variant.
Coding change: c.1240A>T on transcript NM_000218.3 (MANE Select); coding-DNA position 1240, A replaced by T.
Protein change: p.Lys414Ter; replaces lysine 414 with a stop codon.
Molecular consequence: nonsense.
Genome position (GRCh38, 1-based): chr11:2,587,681, A>T. VCF-style: chr11-2587681-A-T. GRCh37 (hg19) VCF-style: chr11-2608911-A-T.
Other names: c.1144A>T, p.Lys382Ter (NM_001406836.1); c.970A>T, p.Lys324Ter (NM_001406837.1); c.700A>T, p.Lys234Ter (NM_001406838.1); c.859A>T, p.Lys287Ter (NM_181798.2); short protein forms K287*, K324*, K414*, K234*, K382*.
Identifiers: ClinVar variation 2017757 (VCV002017757.4), dbSNP rs2493705809, ClinGen allele CA379134861.